The following is an entry in ClinVar:

NM_030912.3(TRIM8):c.1455G>C (p.Gln485His)

Gene: TRIM8 (tripartite motif containing 8; plus strand). Cytogenetic location: 10q24.32.
Variant type: single nucleotide variant.
Coding change: c.1455G>C on transcript NM_030912.3 (MANE Select); coding-DNA position 1455, G replaced by C.
Protein change: p.Gln485His; replaces glutamine 485 with histidine.
Molecular consequence: missense variant. On other transcripts: non-coding transcript variant (1).
Genome position (GRCh38, 1-based): chr10:102,657,153, G>C. VCF-style: chr10-102657153-G-C. GRCh37 (hg19) VCF-style: chr10-104416910-G-C.
Other names: c.1359G>C, p.Gln453His (NM_001345950.1); short protein forms Q485H, Q453H.
Identifiers: ClinVar variation 4716105 (VCV004716105.1).

ClinVar aggregate classification (germline): Uncertain significance (1 of 4 stars; one submission).

Submission:

Labcorp Genetics (formerly Invitae), Labcorp
Classification: Uncertain significance. Last evaluated: 2025-03-27. Review status: criteria provided, single submitter. Criteria: Invitae Variant Classification Sherloc (09022015). Collection method: clinical testing. Allele origin: germline.
Comment: This sequence change replaces glutamine, which is neutral and polar, with histidine, which is basic and polar, at codon 485 of the TRIM8 protein (p.Gln485His). This variant is not present in population databases (gnomAD no frequency). This variant has not been reported in the literature in individuals affected with TRIM8-related conditions. An algorithm developed to predict the effect of missense changes on protein structure and function (PolyPhen-2) suggests that this variant is likely to be disruptive. In summary, the available evidence is currently insufficient to determine the role of this variant in disease. Therefore, it has been classified as a Variant of Uncertain Significance.